The following is an entry in ClinVar:

ClinVar aggregate classification (germline): Uncertain significance (1 of 4 stars; one submission).

Submission:

Labcorp Genetics (formerly Invitae), Labcorp
Classification: Uncertain significance. Last evaluated: 2019-10-26. Review status: criteria provided, single submitter. Criteria: Invitae Variant Classification Sherloc (09022015). Collection method: clinical testing. Allele origin: germline.
Comment: In summary, the available evidence is currently insufficient to determine the role of this variant in disease. Therefore, it has been classified as a Variant of Uncertain Significance. Algorithms developed to predict the effect of sequence changes on RNA splicing suggest that this variant may create or strengthen a splice site, but this prediction has not been confirmed by published transcriptional studies. Algorithms developed to predict the effect of missense changes on protein structure and function output the following: SIFT: "Deleterious"; PolyPhen-2: "Probably Damaging"; Align-GVGD: "Class C0". The serine amino acid residue is found in multiple mammalian species, suggesting that this missense change does not adversely affect protein function. These predictions have not been confirmed by published functional studies and their clinical significance is uncertain. This variant has not been reported in the literature in individuals with PCARE-related conditions. This variant is not present in population databases (ExAC no frequency). This sequence change replaces proline with serine at codon 30 of the PCARE protein (p.Pro30Ser). The proline residue is highly conserved and there is a moderate physicochemical difference between proline and serine.

NM_001029883.3(PCARE):c.88C>T (p.Pro30Ser)

Gene: PCARE (photoreceptor cilium actin regulator; minus strand). Cytogenetic location: 2p23.2.
Variant type: single nucleotide variant.
Coding change: c.88C>T on transcript NM_001029883.3 (MANE Select); coding-DNA position 88, C replaced by T.
Protein change: p.Pro30Ser; replaces proline 30 with serine.
Molecular consequence: missense variant.
Genome position (GRCh38, 1-based): chr2:29,074,174, G>A on the plus strand (C>T on the coding strand, the complement: PCARE is on the minus strand). VCF-style: chr2-29074174-G-A. GRCh37 (hg19) VCF-style: chr2-29297040-G-A.
Other names: short protein forms P30S.
Identifiers: ClinVar variation 953404 (VCV000953404.9), dbSNP rs1667547984, ClinGen allele CA346483059.